The following is an entry in ClinVar:

ClinVar aggregate classification (germline): Pathogenic (1 of 4 stars; one submission).

Conditions:
Ehlers-Danlos syndrome, dermatosparaxis type. Also called: EDS VIIC; Dermatosparaxis; Ehlers-Danlos syndrome, type VII, autosomal recessive. Identifiers: Orphanet 1901, MedGen C2700425, MONDO:0009161, OMIM 225410.

Submission:

Myriad Genetics, Inc.
Classification: Pathogenic for Ehlers-Danlos syndrome, dermatosparaxis type. Last evaluated: 2024-05-14. Review status: criteria provided, single submitter. Criteria: Myriad Autosomal Dominant, Autosomal Recessive and X-Linked Classification Criteria (2023). Collection method: clinical testing. Allele origin: unknown.
Comment: NM_014244.4(ADAMTS2):c.66_67insA(L23Tfs*43) is expected to be pathogenic in the context of Ehlers-Danlos syndrome, ADAMTS2-related. This variant is predicted to lead to an abnormal or absent protein product due to the creation of a premature termination codon in ADAMTS2, a gene where loss-of-function variants are known to be pathogenic. Please note: this variant was assessed in the context of healthy population screening.

NM_014244.5(ADAMTS2):c.66_67insA (p.Leu23fs)

Gene: ADAMTS2 (ADAM metallopeptidase with thrombospondin type 1 motif 2; minus strand). Cytogenetic location: 5q35.3.
Variant type: Insertion.
Coding change: c.66_67insA on transcript NM_014244.5 (MANE Select); coding-DNA positions 66 to 67, A inserted.
Protein change: p.Leu23fs; shifts the reading frame from leucine 23.
Molecular consequence: frameshift variant.
Genome position: GRCh38 VCF-style: chr5-179345262-G-GT. GRCh37 (hg19) VCF-style: chr5-178772263-G-GT.
Other names: c.66_67insA, p.Leu23fs (NM_021599.4); short protein forms L23fs.
Identifiers: ClinVar variation 5010620 (VCV005010620.1).